The following is an entry in ClinVar:

NM_001354604.2(MITF):c.479G>A (p.Cys160Tyr)

Gene: MITF (melanocyte inducing transcription factor; plus strand). Cytogenetic location: 3p13.
Variant type: single nucleotide variant.
Coding change: c.479G>A on transcript NM_001354604.2 (MANE Select); coding-DNA position 479, G replaced by A.
Protein change: p.Cys160Tyr; replaces cysteine 160 with tyrosine.
Molecular consequence: missense variant. On other transcripts: intron variant (1).
Genome position (GRCh38, 1-based): chr3:69,937,946, G>A. VCF-style: chr3-69937946-G-A. GRCh37 (hg19) VCF-style: chr3-69987097-G-A.
Other names: c.158G>A, p.Cys53Tyr (NM_000248.4, NM_001184968.2, NM_198158.3); c.323G>A, p.Cys108Tyr (NM_001184967.2, NM_001354608.2); c.476G>A, p.Cys159Tyr (NM_001354605.2, NM_001354606.2, NM_006722.3); c.428G>A, p.Cys143Tyr (NM_001354607.2); c.479G>A, p.Cys160Tyr (NM_198159.3); c.431G>A, p.Cys144Tyr (NM_198177.3); c.93+65G>A (NM_198178.3); short protein forms C108Y, C143Y, C144Y, C159Y, C160Y, C53Y.
Identifiers: ClinVar variation 4690105 (VCV004690105.2).

ClinVar aggregate classification (germline): Uncertain significance. Review status: criteria provided, multiple submitters, no conflicts (2 of 4 stars). 2 submissions from 2 submitters: Uncertain significance (2). Last evaluated 2026-06-06.

Conditions:
Hereditary cancer-predisposing syndrome. Also called: Neoplastic Syndromes, Hereditary; Tumor predisposition; Hereditary Cancer Syndrome; Hereditary neoplastic syndrome. Identifiers: Orphanet 140162, MedGen C0027672, MeSH D009386, MONDO:0015356.

gnomAD v4.1: 1 of 1,614,160 alleles (0.000062%); highest among the groups gnomAD compares: East Asian, 0.0022%; no homozygotes.

Submissions (2):

Ambry Genetics
Classification: Uncertain significance for Hereditary cancer-predisposing syndrome. Last evaluated: 2026-06-06. Review status: criteria provided, single submitter. Criteria: Ambry Variant Classification Scheme 2023. Collection method: clinical testing. Allele origin: germline.
Comment: The p.C53Y variant (also known as c.158G>A), located in coding exon 2 of the MITF gene, results from a G to A substitution at nucleotide position 158. The cysteine at codon 53 is replaced by tyrosine, an amino acid with highly dissimilar properties. This amino acid position is conserved. In addition, the in silico prediction for this alteration is inconclusive. Based on the available evidence, the clinical significance of this variant remains unclear.

GeneDx
Classification: Uncertain significance. Last evaluated: 2025-07-29. Review status: criteria provided, single submitter. Criteria: GeneDx Variant Classification Process June 2021. Collection method: clinical testing. Allele origin: germline. Affected: yes.
Comment: Not observed at significant frequency in large population cohorts (gnomAD); In silico analysis supports that this missense variant has a deleterious effect on protein structure/function; Has not been previously published as pathogenic or benign to our knowledge